The following is an entry in ClinVar:

NM_003748.4(ALDH4A1):c.1186-3C>G

Gene: ALDH4A1 (aldehyde dehydrogenase 4 family member A1; minus strand). Cytogenetic location: 1p36.13.
Variant type: single nucleotide variant.
Coding change: c.1186-3C>G on transcript NM_003748.4 (MANE Select); 3 bases into the intron before coding-DNA position 1186, C replaced by G.
Molecular consequence: intron variant.
Genome position (GRCh38, 1-based): chr1:18,876,470, G>C on the plus strand (C>G on the coding strand, the complement: ALDH4A1 is on the minus strand). VCF-style: chr1-18876470-G-C. GRCh37 (hg19) VCF-style: chr1-19202964-G-C.
Other names: c.1185+738C>G (NM_001319218.2); c.1186-3C>G (NM_170726.3); c.1006-3C>G (NM_001161504.2).
Identifiers: ClinVar variation 5019304 (VCV005019304.2).

ClinVar aggregate classification (germline): Uncertain significance (1 of 4 stars; one submission).

Conditions:
Hyperprolinemia type 2 (HYRPRO2). Also called: Delta-1-pyrroline-5-carboxylate dehydrogenase deficiency; 1-PYRROLINE-5-CARBOXYLATE DEHYDROGENASE DEFICIENCY; Deficiency of pyrroline-5-carboxylate reductase. Identifiers: Orphanet 79101, MedGen C2931835, MONDO:0009401, OMIM 239510.

Submission:

Juno Genomics, Hangzhou Juno Genomics, Inc
Classification: Uncertain significance for Hyperprolinemia type 2. Review status: criteria provided, single submitter. Criteria: ACMG Guidelines, 2015. Collection method: clinical testing. Allele origin: germline.
Comment: Absent from controls (or at extremely low frequency if recessive) in Genome Aggregation Database.;Multiple lines of computational evidence support a deleterious effect on the gene or gene product.